The following is an entry in ClinVar:

Conditions:
Breast-ovarian cancer, familial, susceptibility to, 1 (BROVCA1). Also called: BRCA1 Hereditary Breast and Ovarian Cancer; OVARIAN CANCER, SUSCEPTIBILITY TO. Identifiers: Orphanet 145, MedGen C2676676, MONDO:0011450, OMIM 604370. Disease mechanism: loss of function.

Submission:

Brotman Baty Institute, University of Washington
No classification provided (evidence only). Condition: Breast-ovarian cancer, familial 1. Review status: no classification provided. Collection method: in vitro. Allele origin: not applicable. Functional consequence: functionally_normal.
ClinVar note: "not provided" was previously submitted as the classification for the variant. However, the classification appeared to be based only on an observation of functional data so it was converted to no classification on 2025-07-30.

NM_007294.4(BRCA1):c.5247A>T (p.Pro1749=)

Gene: BRCA1 (BRCA1 DNA repair associated; minus strand). Cytogenetic location: 17q21.31.
Variant type: single nucleotide variant.
Coding change: c.5247A>T on transcript NM_007294.4 (MANE Select); coding-DNA position 5247, A replaced by T.
Protein change: p.Pro1749=; no amino-acid change (proline 1749 retained).
Molecular consequence: synonymous variant.
Genome position (GRCh38, 1-based): chr17:43,057,082, T>A on the plus strand (A>T on the coding strand, the complement: BRCA1 is on the minus strand). VCF-style: chr17-43057082-T-A. GRCh37 (hg19) VCF-style: chr17-41209099-T-A.
Other names: c.5034A>T, p.Pro1678= (NM_001407571.1, NM_001407900.1, NM_001407902.1 and 12 more transcripts); c.5313A>T, p.Pro1771= (NM_001407581.1, NM_001407582.1); c.5310A>T, p.Pro1770= (NM_001407583.1, NM_001407585.1, NM_001407587.1 and 1 more transcripts); c.5307A>T, p.Pro1769= (NM_001407590.1, NM_001407591.1); c.5247A>T, p.Pro1749= (NM_001407593.1, NM_001407594.1, NM_001407596.1 and 7 more transcripts); c.5244A>T, p.Pro1748= (NM_001407610.1, NM_001407611.1, NM_001407612.1 and 17 more transcripts); c.5241A>T, p.Pro1747= (NM_001407627.1, NM_001407628.1, NM_001407629.1 and 14 more transcripts); c.5238A>T, p.Pro1746= (NM_001407644.1, NM_001407645.1); and 72 more.
Identifiers: ClinVar variation 865198 (VCV000865198.3), dbSNP rs2051507989, ClinGen allele CA500144631.